The following is an entry in ClinVar:

ClinVar aggregate classification (germline): Conflicting classifications of pathogenicity. Review status: criteria provided, conflicting classifications (1 of 4 stars). 11 submissions from 11 submitters: Uncertain significance (5); Likely benign (5). 1 of the submissions does not count toward it. Last evaluated 2026-01-09.

Conditions:
Cardiovascular phenotype. Identifiers: MedGen CN230736.
Cardiomyopathy (CMYO). Also called: Cardiomyopathies. Identifiers: Orphanet 167848, MedGen C0878544, MONDO:0004994, HP:0001638. Inheritance: Various modes of inheritance.
Catecholaminergic polymorphic ventricular tachycardia 1. Also called: RYR2-Related Catecholaminergic Polymorphic Ventricular Tachycardia; VENTRICULAR TACHYCARDIA, CATECHOLAMINERGIC POLYMORPHIC, 1, WITH OR WITHOUT ATRIAL DYSFUNCTION AND/OR DILATED CARDIOMYOPATHY; VENTRICULAR TACHYCARDIA, STRESS-INDUCED POLYMORPHIC 1. Identifiers: Orphanet 3286, MedGen C1631597, MONDO:0011484, OMIM 604772.
Arrhythmogenic right ventricular dysplasia 2. Identifiers: MedGen C1832931.

Allele frequency attached by ClinVar (database versions not stated): gnomAD exomes 0.00016 and 0.00035; ExAC 0.00017; gnomAD 0.00018 and 0.00019; TOPMed 0.00019; ESP Exome Variant Server 0.00032.
gnomAD v4.1: 526 of 1,613,802 alleles (0.033%); highest among the groups gnomAD compares: Non-Finnish European, 0.042%; no homozygotes.

Submissions (11):

Labcorp Genetics (formerly Invitae), Labcorp
Classification: Likely benign for Catecholaminergic polymorphic ventricular tachycardia 1. Last evaluated: 2026-01-09. Review status: criteria provided, single submitter. Criteria: Invitae Variant Classification Sherloc (09022015). Collection method: clinical testing. Allele origin: germline.

Mayo Clinic Laboratories, Mayo Clinic
Classification: Uncertain significance. Last evaluated: 2025-11-16. Review status: criteria provided, single submitter. Criteria: ACMG Guidelines, 2015. Collection method: clinical testing. Allele origin: germline. Observed: 1 variant allele.
Comment: PP3

GeneDx
Classification: Uncertain significance. Last evaluated: 2025-10-01. Review status: criteria provided, single submitter. Criteria: GeneDx Variant Classification Process June 2021. Collection method: clinical testing. Allele origin: germline. Affected: yes.
Comment: In silico analysis supports that this missense variant has a deleterious effect on protein structure/function; Identified in individuals with cardiomyopathy referred for genetic testing at GeneDx and in the published literature, and reported in patients with sudden unexplained death (PMID: 25351510, 35276540, 37589201); Not located in one of the three hot-spot regions of the RYR2 gene, where the majority of pathogenic missense variants occur (PMID: 19926015); This variant is associated with the following publications: (PMID: 25925909, 35276540, 37589201, 25351510, 19926015)

Blueprint Genetics
Classification: Likely benign. Last evaluated: 2024-11-18. Review status: criteria provided, single submitter. Criteria: ACMG Guidelines, 2015. Collection method: clinical testing. Allele origin: germline.

Women's Health and Genetics/Laboratory Corporation of America, LabCorp
Classification: Likely benign. Last evaluated: 2024-02-20. Review status: criteria provided, single submitter. Criteria: LabCorp Variant Classification Summary - May 2015. Collection method: clinical testing. Allele origin: germline.
Comment: Variant summary: RYR2 c.3356G>A (p.Arg1119His) results in a non-conservative amino acid change located in the B30.2/SPRY domain (IPR001870) of the encoded protein sequence. Four of four in-silico tools predict a damaging effect of the variant on protein function. The variant allele was found at a frequency of 0.00016 in 249230 control chromosomes. The observed variant frequency is approximately 5-fold of the estimated maximal expected allele frequency for a pathogenic variant in RYR2 causing Catecholaminergic Polymorphic Ventricular Tachycardia phenotype (3.4e-05), strongly suggesting that the variant is benign. c.3356G>A has been reported in the literature in individuals affected with Sudden cardiac death and DCM, without strong evidence for causality (Neubauer_2022, Lopes_2015). These report(s) do not provide unequivocal conclusions about association of the variant with Catecholaminergic Polymorphic Ventricular Tachycardia. To our knowledge, no experimental evidence demonstrating an impact on protein function has been reported. The following publications have been ascertained in the context of this evaluation (PMID: 35276540, 25351510). ClinVar contains an entry for this variant (Variation ID: 196110). Based on the evidence outlined above, the variant was classified as likely benign.

Color Diagnostics, LLC DBA Color Health
Classification: Likely benign for Cardiomyopathy. Last evaluated: 2023-03-16. Review status: criteria provided, single submitter. Criteria: ACMG Guidelines, 2015. Collection method: clinical testing. Allele origin: germline.

Ambry Genetics
Classification: Likely benign for Cardiovascular phenotype. Last evaluated: 2021-07-01. Review status: criteria provided, single submitter. Criteria: Ambry Variant Classification Scheme 2023. Collection method: clinical testing. Allele origin: germline.

CHEO Genetics Diagnostic Laboratory, Children's Hospital of Eastern Ontario
Classification: Uncertain significance for Cardiomyopathy. Last evaluated: 2019-05-23. Review status: criteria provided, single submitter. Criteria: ACMG Guidelines, 2015. Collection method: clinical testing. Allele origin: germline.

Stanford Center for Inherited Cardiovascular Disease, Stanford University
Classification: Uncertain significance. Last evaluated: 2017-06-08. Review status: criteria provided, single submitter. Criteria: ACMG Guidelines, 2015. Collection method: provider interpretation. Allele origin: germline.

Eurofins Ntd Llc (ga)
Classification: Uncertain significance. Last evaluated: 2015-02-09. Review status: criteria provided, single submitter. Criteria: EGL Classification Definitions 2015. Collection method: clinical testing. Allele origin: germline. Observed: 2 variant alleles, 2 heterozygotes.

Institute of Human Genetics, University of Goettingen
Classification: Uncertain significance for Catecholaminergic polymorphic ventricular tachycardia 1. Last evaluated: 2022-11-01. Review status: no assertion criteria provided. Collection method: clinical testing. Allele origin: unknown. Inheritance: Sporadic. Affected: yes. Not counted in ClinVar's aggregate classification.

Literature cited by the submitters: PubMed 25351510 (cited by Women's Health and Genetics/Laboratory Corporation of America, LabCorp and Ambry Genetics); PubMed 35276540 (cited by Women's Health and Genetics/Laboratory Corporation of America, LabCorp); PubMed 25925909 (cited by Ambry Genetics); PubMed 28404607 (cited by Ambry Genetics).

NM_001035.3(RYR2):c.3356G>A (p.Arg1119His)

Gene: RYR2 (ryanodine receptor 2; plus strand). Cytogenetic location: 1q43.
Variant type: single nucleotide variant.
Coding change: c.3356G>A on transcript NM_001035.3 (MANE Select); coding-DNA position 3356, G replaced by A.
Protein change: p.Arg1119His; replaces arginine 1119 with histidine.
Molecular consequence: missense variant.
Genome position (GRCh38, 1-based): chr1:237,566,708, G>A. VCF-style: chr1-237566708-G-A. GRCh37 (hg19) VCF-style: chr1-237730008-G-A.
Other names: p.R1119H:CGT>CAT; p.Arg1119His; c.3356G>A, p.Arg1119His (LRG_402t1); short protein forms R1119H.
Identifiers: ClinVar variation 196110 (VCV000196110.34), dbSNP rs201312753, ClinGen allele CA009195.